The following is an entry in ClinVar:

NM_004656.4(BAP1):c.1366C>G (p.Gln456Glu)

Gene: BAP1 (BRCA1 associated deubiquitinase 1; minus strand). Cytogenetic location: 3p21.1.
Variant type: single nucleotide variant.
Coding change: c.1366C>G on transcript NM_004656.4 (MANE Select); coding-DNA position 1366, C replaced by G.
Protein change: p.Gln456Glu; replaces glutamine 456 with glutamic acid.
Molecular consequence: missense variant.
Genome position (GRCh38, 1-based): chr3:52,403,779, G>C on the plus strand (C>G on the coding strand, the complement: BAP1 is on the minus strand). VCF-style: chr3-52403779-G-C. GRCh37 (hg19) VCF-style: chr3-52437795-G-C.
Other names: c.1312C>G, p.Gln438Glu (NM_001410772.1); short protein forms Q456E, Q438E.
Identifiers: ClinVar variation 1961160 (VCV001961160.5), dbSNP rs2471329661, ClinGen allele CA353101790.

ClinVar aggregate classification (germline): Uncertain significance (1 of 4 stars; one submission).

Conditions:
BAP1-related tumor predisposition syndrome (TPDS1). Also called: COMMON Syndrome; TUMOR PREDISPOSITION SYNDROME 1; Tumor susceptibility linked to germline BAP1 mutations; BAP1 tumor predisposition syndrome. Identifiers: Orphanet 289539, MedGen C3280492, MONDO:0013692, OMIM 614327.

Submission:

Labcorp Genetics (formerly Invitae), Labcorp
Classification: Uncertain significance for BAP1-related tumor predisposition syndrome. Last evaluated: 2022-02-20. Review status: criteria provided, single submitter. Criteria: Invitae Variant Classification Sherloc (09022015). Collection method: clinical testing. Allele origin: germline.
Comment: This sequence change replaces glutamine, which is neutral and polar, with glutamic acid, which is acidic and polar, at codon 456 of the BAP1 protein (p.Gln456Glu). This variant is not present in population databases (gnomAD no frequency). This variant has not been reported in the literature in individuals affected with BAP1-related conditions. Algorithms developed to predict the effect of missense changes on protein structure and function are either unavailable or do not agree on the potential impact of this missense change (SIFT: "Deleterious"; PolyPhen-2: "Probably Damaging"; Align-GVGD: "Class C0"). In summary, the available evidence is currently insufficient to determine the role of this variant in disease. Therefore, it has been classified as a Variant of Uncertain Significance.